The following is an entry in ClinVar:

ClinVar aggregate classification (germline): Uncertain significance (1 of 4 stars; one submission).

Submission:

Labcorp Genetics (formerly Invitae), Labcorp
Classification: Uncertain significance. Last evaluated: 2022-11-22. Review status: criteria provided, single submitter. Criteria: Invitae Variant Classification Sherloc (09022015). Collection method: clinical testing. Allele origin: germline.
Comment: This sequence change creates a premature translational stop signal (p.Pro49Argfs*31) in the ADGRA3 gene. It is expected to result in an absent or disrupted protein product. However, the current clinical and genetic evidence is not sufficient to establish whether loss-of-function variants in ADGRA3 cause disease. This variant is not present in population databases (gnomAD no frequency). This variant has not been reported in the literature in individuals affected with ADGRA3-related conditions. ClinVar contains an entry for this variant (Variation ID: 1513547). In summary, the available evidence is currently insufficient to determine the role of this variant in disease. Therefore, it has been classified as a Variant of Uncertain Significance.

NM_145290.4(ADGRA3):c.146_167del (p.Pro49fs)

Gene: ADGRA3 (adhesion G protein-coupled receptor A3; minus strand). Cytogenetic location: 4p15.2.
Variant type: Deletion.
Coding change: c.146_167del on transcript NM_145290.4 (MANE Select); coding-DNA positions 146 to 167, 22 bases deleted (CCCGAGGGGCTGGCAGGGCGGC).
Protein change: p.Pro49fs; shifts the reading frame from proline 49.
Molecular consequence: frameshift variant.
Genome position (GRCh38, 1-based): chr4:22,515,618-22,515,639, GCCGCCCTGCCAGCCCCTCGGG deleted on the plus strand (CCCGAGGGGCTGGCAGGGCGGC on the coding strand, the reverse complement: ADGRA3 is on the minus strand); deleting any 22 consecutive bases within chr4:22,515,618-22,515,646 gives the same sequence; the c. name uses the placement nearest the transcript's 3' end. VCF-style (leftmost placement, unchanged base first): chr4-22515617-CGCCGCCCTGCCAGCCCCTCGGG-C. GRCh37 (hg19) VCF-style: chr4-22517240-CGCCGCCCTGCCAGCCCCTCGGG-C.
Other names: short protein forms P49fs.
Identifiers: ClinVar variation 1513547 (VCV001513547.6), dbSNP rs1218899571, ClinGen allele CA2573137654.